The following is an entry in ClinVar:

NM_000051.4(ATM):c.1430A>G (p.Lys477Arg)

Gene: ATM (ATM serine/threonine kinase; plus strand). Cytogenetic location: 11q22.3.
Variant type: single nucleotide variant.
Coding change: c.1430A>G on transcript NM_000051.4 (MANE Select); coding-DNA position 1430, A replaced by G.
Protein change: p.Lys477Arg; replaces lysine 477 with arginine.
Molecular consequence: missense variant.
Genome position (GRCh38, 1-based): chr11:108,250,895, A>G. VCF-style: chr11-108250895-A-G. GRCh37 (hg19) VCF-style: chr11-108121622-A-G.
Other names: c.1430A>G, p.Lys477Arg (NM_001351834.2); short protein forms K477R.
Identifiers: ClinVar variation 3661952 (VCV003661952.2).

ClinVar aggregate classification (germline): Uncertain significance (1 of 4 stars; one submission).

Conditions:
Ataxia-telangiectasia syndrome (AT). Also called: LOUIS-BAR SYNDROME; Cerebello-oculocutaneous telangiectasia; Immunodeficiency with ataxia telangiectasia; ATAXIA-TELANGIECTASIA, COMPLEMENTATION GROUP A; ATAXIA-TELANGIECTASIA, FRESNO VARIANT; Ataxia-telangiectasia, complementation group D. Identifiers: Orphanet 100, MedGen C0004135, MONDO:0008840, OMIM 208900.

Submission:

Labcorp Genetics (formerly Invitae), Labcorp
Classification: Uncertain significance for Ataxia-telangiectasia syndrome. Last evaluated: 2024-08-11. Review status: criteria provided, single submitter. Criteria: Invitae Variant Classification Sherloc (09022015). Collection method: clinical testing. Allele origin: germline.
Comment: This sequence change replaces lysine, which is basic and polar, with arginine, which is basic and polar, at codon 477 of the ATM protein (p.Lys477Arg). This variant is not present in population databases (gnomAD no frequency). This variant has not been reported in the literature in individuals affected with ATM-related conditions. An algorithm developed to predict the effect of missense changes on protein structure and function (PolyPhen-2) suggests that this variant is likely to be tolerated. Algorithms developed to predict the effect of sequence changes on RNA splicing suggest that this variant may disrupt the consensus splice site. In summary, the available evidence is currently insufficient to determine the role of this variant in disease. Therefore, it has been classified as a Variant of Uncertain Significance.